The following is an entry in ClinVar:

NM_015102.5(NPHP4):c.118G>A (p.Gly40Arg)

Gene: NPHP4 (nephrocystin 4; minus strand). Cytogenetic location: 1p36.31.
Variant type: single nucleotide variant.
Coding change: c.118G>A on transcript NM_015102.5 (MANE Select); coding-DNA position 118, G replaced by A.
Protein change: p.Gly40Arg; replaces glycine 40 with arginine.
Molecular consequence: missense variant. On other transcripts: 5 prime UTR variant (1), non-coding transcript variant (1), intron variant (1).
Genome position (GRCh38, 1-based): chr1:5,986,172, C>T on the plus strand (G>A on the coding strand, the complement: NPHP4 is on the minus strand). VCF-style: chr1-5986172-C-T. GRCh37 (hg19) VCF-style: chr1-6046232-C-T.
Other names: c.-1112G>A (NM_001291593.2); c.-1088+6072G>A (NM_001291594.2); short protein forms G40R.
Identifiers: ClinVar variation 1801979 (VCV001801979.1), dbSNP rs1245608283, ClinGen allele CA338054953.
Genomic context (GRCh38, chr1:5,986,172, plus strand): 5'-CTAAGAGCAATAACACGCATTTGCTAACAGCACATTTTGTTACCTGCCTAATTACCGGTC[C>T]GTCCAGCCACTTGAGGACACACTGGAATGCCGTGGATTCCTTCCAAGGCTGGCGCGCTCT-3'
Protein context (NP_055917.1, residues 30-50): AFQCVLKWLD[Gly40Arg]PVIRQGVLEV

ClinVar aggregate classification (germline): Uncertain significance (1 of 4 stars; one submission).

Allele frequency attached by ClinVar (database versions not stated): TOPMed 0.00001.
gnomAD v4.1: 4 of 1,613,856 alleles (0.00025%); highest among the groups gnomAD compares: Non-Finnish European, 0.00034%; no homozygotes.

Submission:

GeneDx
Classification: Uncertain significance. Last evaluated: 2022-06-03. Review status: criteria provided, single submitter. Criteria: GeneDx Variant Classification Process June 2021. Collection method: clinical testing. Allele origin: germline. Affected: yes.
Comment: Not observed at significant frequency in large population cohorts (gnomAD); In silico analysis supports that this missense variant has a deleterious effect on protein structure/function; Has not been previously published as pathogenic or benign to our knowledge